The following is an entry in ClinVar:

ClinVar aggregate classification (germline): Uncertain significance. Review status: criteria provided, multiple submitters, no conflicts (2 of 4 stars). 2 submissions from 2 submitters: Uncertain significance (2). Last evaluated 2025-09-18.

Conditions:
Colorectal cancer, susceptibility to, 12 (CRCS12). Also called: COLORECTAL CANCER, SUSCEPTIBILITY TO, ON CHROMOSOME 12q24. Identifiers: Orphanet 220460, MedGen C3554460, MONDO:0014038, OMIM 615083.
Hereditary cancer-predisposing syndrome. Also called: Tumor predisposition; Hereditary neoplastic syndrome; Neoplastic Syndromes, Hereditary; Hereditary Cancer Syndrome. Identifiers: Orphanet 140162, MedGen C0027672, MeSH D009386, MONDO:0015356.

Submissions (2):

Ambry Genetics
Classification: Uncertain significance for Hereditary cancer-predisposing syndrome. Last evaluated: 2025-09-18. Review status: criteria provided, single submitter. Criteria: Ambry Variant Classification Scheme 2023. Collection method: clinical testing. Allele origin: germline.
Comment: The p.S928T variant (also known as c.2783G>C), located in coding exon 24 of the POLE gene, results from a G to C substitution at nucleotide position 2783. The serine at codon 928 is replaced by threonine, an amino acid with similar properties. This amino acid position is conserved. In addition, this alteration is predicted to be tolerated by in silico analysis. Based on the available evidence, the clinical significance of this variant remains unclear.

Labcorp Genetics (formerly Invitae), Labcorp
Classification: Uncertain significance for Colorectal cancer, susceptibility to, 12. Last evaluated: 2019-05-21. Review status: criteria provided, single submitter. Criteria: Invitae Variant Classification Sherloc (09022015). Collection method: clinical testing. Allele origin: germline.
Comment: This sequence change replaces serine with threonine at codon 928 of the POLE protein (p.Ser928Thr). The serine residue is highly conserved and there is a small physicochemical difference between serine and threonine. This variant is not present in population databases (ExAC no frequency). This variant has not been reported in the literature in individuals with POLE-related conditions. Algorithms developed to predict the effect of missense changes on protein structure and function are either unavailable or do not agree on the potential impact of this missense change (SIFT: "Tolerated"; PolyPhen-2: "Possibly Damaging"; Align-GVGD: "Class C0"). In summary, the available evidence is currently insufficient to determine the role of this variant in disease. Therefore, it has been classified as a Variant of Uncertain Significance.

NM_006231.4(POLE):c.2783G>C (p.Ser928Thr)

Gene: POLE (DNA polymerase epsilon, catalytic subunit; minus strand). Cytogenetic location: 12q24.33.
Variant type: single nucleotide variant.
Coding change: c.2783G>C on transcript NM_006231.4 (MANE Select); coding-DNA position 2783, G replaced by C.
Protein change: p.Ser928Thr; replaces serine 928 with threonine.
Molecular consequence: missense variant.
Genome position (GRCh38, 1-based): chr12:132,661,608, C>G on the plus strand (G>C on the coding strand, the complement: POLE is on the minus strand). VCF-style: chr12-132661608-C-G. GRCh37 (hg19) VCF-style: chr12-133238194-C-G.
Other names: c.2783G>C (NM_006231.2); short protein forms S928T.
Identifiers: ClinVar variation 950729 (VCV000950729.2), dbSNP rs2042683635, ClinGen allele CA387393812.
Genomic context (GRCh38, chr12:132,661,608, plus strand): 5'-TCTTCCTTGGAGGCTGGAAGAATCATGGCAAGGTAGGGCCCATCAACCTCAAAAAAGATG[C>G]TGTTCTCTGAGCGGGTGACGTAGGTGAGTGAGGACGGCTCAGCCAGCTCCTGGTACTGGT-3'
Protein context (NP_006222.2, residues 918-938): SLTYVTRSEN[Ser928Thr]IFFEVDGPYL